The following is an entry in ClinVar:

NM_033380.3(COL4A5):c.2315G>T (p.Gly772Val)

Gene: COL4A5 (collagen type IV alpha 5 chain; plus strand). Cytogenetic location: Xq22.3.
Variant type: single nucleotide variant.
Coding change: c.2315G>T on transcript NM_033380.3 (MANE Select); coding-DNA position 2315, G replaced by T.
Protein change: p.Gly772Val; replaces glycine 772 with valine.
Molecular consequence: missense variant.
Genome position (GRCh38, 1-based): chrX:108,606,812, G>T. VCF-style: chrX-108606812-G-T. GRCh37 (hg19) VCF-style: chrX-107850042-G-T.
Other names: c.2315G>T, p.Gly772Val (NM_000495.5); short protein forms G772V.
Identifiers: ClinVar variation 807800 (VCV000807800.43), dbSNP rs104886173, ClinGen allele CA413848967.

ClinVar aggregate classification (germline): Pathogenic/Likely pathogenic. Review status: criteria provided, multiple submitters, no conflicts (2 of 4 stars). 3 submissions from 3 submitters: Pathogenic (1); Likely pathogenic (2). Last evaluated 2024-10-17.

Conditions:
X-linked Alport syndrome (ATS1). Also called: COL4A5-Related Nephropathy; NEPHROPATHY AND DEAFNESS, X-LINKED. Identifiers: Orphanet 63, Orphanet 88917, MedGen C4746986, MONDO:0010520, OMIM 301050.
Isolated macular dystrophy. Identifiers: Orphanet 519302, MedGen C5681367, MONDO:0957048.

Submissions (3):

3billion
Classification: Likely pathogenic for X-linked Alport syndrome. Last evaluated: 2024-10-17. Review status: criteria provided, single submitter. Criteria: ACMG Guidelines, 2015. Collection method: clinical testing. Allele origin: germline. Affected: yes.
Comment: The variant is not observed in the gnomAD v4.1.0 dataset. Predicted Consequence/Location: Missense variant In silico tool predictions suggest damaging effect of the variant on gene or gene product [REVEL: 0.99 (>=0.6, sensitivity 0.68 and specificity 0.92); 3Cnet: 0.88 (>=0.6, sensitivity 0.72 and precision 0.9)]. The same nucleotide change resulting in the same amino acid change has been previously reported as pathogenic/likely pathogenic with strong evidence (ClinVar ID: VCV000807800). Different missense changes at the same codon (p.Gly772Ala, p.Gly772Arg, p.Gly772Asp, p.Gly772Ser) have been reported as pathogenic/likely pathogenic with strong evidence (ClinVar ID: VCV000024507, VCV000807578 /PMID: 20378821, 36685964, 8648925). Therefore, this variant is classified as Likely pathogenic according to the recommendation of ACMG/AMP guideline.

Molecular Genetics Laboratory, Institute for Ophthalmic Research
Classification: Pathogenic for Isolated macular dystrophy. Last evaluated: 2020-01-09. Review status: criteria provided, single submitter. Criteria: ACMG Guidelines, 2015. Collection method: research. Allele origin: germline. Affected: yes.

CeGaT Center for Human Genetics Tuebingen
Classification: Likely pathogenic. Last evaluated: 2019-02-01. Review status: criteria provided, single submitter. Criteria: CeGaT Center For Human Genetics Tuebingen Variant Classification Criteria Version 2. Collection method: clinical testing. Allele origin: germline. Affected: yes. Observed: 1 variant allele.

Literature cited by the submitters: PubMed 20378821 (cited by 3billion).